The following is an entry in ClinVar:

ClinVar aggregate classification (germline): Benign/Likely benign. Review status: criteria provided, multiple submitters, no conflicts (2 of 4 stars). 5 submissions from 4 submitters: Benign (2); Likely benign (3). Last evaluated 2026-04-01.

Conditions:
Neural tube defect (NTD). Also called: Neural tube defects. Identifiers: Orphanet 3388, Orphanet 823, MedGen C0027794, MONDO:0018075, HP:0045005.
Sacral defect with anterior meningocele. Identifiers: MedGen C1838568, OMIM 600145.

Allele frequency attached by ClinVar (database versions not stated): 1000 Genomes Project 0.00140; 1000 Genomes Project 30x 0.00156; gnomAD exomes 0.00326 and 0.00561; TOPMed 0.00340; gnomAD 0.00343 and 0.00358; ExAC 0.00347; ESP Exome Variant Server 0.00431.
gnomAD v4.1: 8,591 of 1,614,208 alleles (0.53%); highest among the groups gnomAD compares: Non-Finnish European, 0.68%; 36 homozygotes.

Submissions (5):

CeGaT Center for Human Genetics Tuebingen
Classification: Likely benign. Last evaluated: 2026-04-01. Review status: criteria provided, single submitter. Criteria: CeGaT Center For Human Genetics Tuebingen Variant Classification Criteria Version 2. Collection method: clinical testing. Allele origin: germline. Affected: yes. Observed: 2 variant alleles.
Comment: VANGL1: BP4, BP7, BS2

Labcorp Genetics (formerly Invitae), Labcorp
Classification: Benign. Last evaluated: 2019-12-31. Review status: criteria provided, single submitter. Criteria: Invitae Variant Classification Sherloc (09022015). Collection method: clinical testing. Allele origin: germline.

Illumina Laboratory Services, Illumina
Classification: Benign for Sacral defect with anterior meningocele. Last evaluated: 2018-01-13. Review status: criteria provided, single submitter. Criteria: ICSL Variant Classification Criteria 13 December 2019. Collection method: clinical testing. Allele origin: germline.
Comment: This variant was observed in the ICSL laboratory as part of a predisposition screen in an ostensibly healthy population. It had not been previously curated by ICSL or reported in the Human Gene Mutation Database (HGMD: prior to June 1st, 2018), and was therefore a candidate for classification through an automated scoring system. Utilizing variant allele frequency, disease prevalence and penetrance estimates, and inheritance mode, an automated score was calculated to assess if this variant is too frequent to cause the disease. Based on the score and internal cut-off values, a variant classified as benign is not then subjected to further curation. The score for this variant resulted in a classification of benign for this disease.

Illumina Laboratory Services, Illumina
Classification: Likely benign for Neural tube defects, susceptibility to. Last evaluated: 2018-01-13. Review status: criteria provided, single submitter. Criteria: ICSL Variant Classification Criteria 13 December 2019. Collection method: clinical testing. Allele origin: germline.
Comment: This variant was observed in the ICSL laboratory as part of a predisposition screen in an ostensibly healthy population. It had not been previously curated by ICSL or reported in the Human Gene Mutation Database (HGMD: prior to June 1st, 2018), and was therefore a candidate for classification through an automated scoring system. Utilizing variant allele frequency, disease prevalence and penetrance estimates, and inheritance mode, an automated score was calculated to assess if this variant is too frequent to cause the disease. Based on the score and internal cut-off values, a variant classified as likely benign is not then subjected to further curation. The score for this variant resulted in a classification of likely benign for this disease.

Breakthrough Genomics
Classification: Likely benign. Review status: criteria provided, single submitter. Criteria: ACMG Guidelines, 2015. Collection method: not provided. Allele origin: germline. Inheritance: Autosomal dominant inheritance. Affected: yes.

NM_138959.3(VANGL1):c.330C>T (p.Tyr110=)

Gene: VANGL1 (VANGL planar cell polarity protein 1; plus strand). Cytogenetic location: 1p13.1.
Variant type: single nucleotide variant.
Coding change: c.330C>T on transcript NM_138959.3 (MANE Select); coding-DNA position 330, C replaced by T.
Protein change: p.Tyr110=; no amino-acid change (tyrosine 110 retained).
Molecular consequence: synonymous variant.
Genome position (GRCh38, 1-based): chr1:115,663,786, C>T. VCF-style: chr1-115663786-C-T. GRCh37 (hg19) VCF-style: chr1-116206407-C-T.
Other names: c.324C>T, p.Tyr108= (NM_001172411.2); c.330C>T, p.Tyr110= (NM_001172412.2).
Identifiers: ClinVar variation 782732 (VCV000782732.33), dbSNP rs41275546, ClinGen allele CA1023217.
Genomic context (GRCh38, chr1:115,663,786, plus strand): 5'-GGACATTGCCAGGATCAGCAAGGACATGGAGGACAGCGTGGGGCTGGATTGCAAACGCTA[C>T]CTGGGCCTCACCGTCGCCTCTTTTCTTGGACTTCTAGTTTTCCTCACCCCTATTGCCTTC-3'
Protein context (NP_620409.1, residues 100-120): EDSVGLDCKR[Tyr110=]LGLTVASFLG